The following is an entry in ClinVar:

ClinVar aggregate classification (germline): Uncertain significance (1 of 4 stars; one submission).

Conditions:
Hypertrophic cardiomyopathy 14. Identifiers: MedGen C2750467, MONDO:0013197, OMIM 613251.

Submission:

Labcorp Genetics (formerly Invitae), Labcorp
Classification: Uncertain significance for Hypertrophic cardiomyopathy 14. Last evaluated: 2019-11-25. Review status: criteria provided, single submitter. Criteria: Invitae Variant Classification Sherloc (09022015). Collection method: clinical testing. Allele origin: germline.
Comment: In summary, the available evidence is currently insufficient to determine the role of this variant in disease. Therefore, it has been classified as a Variant of Uncertain Significance. Algorithms developed to predict the effect of missense changes on protein structure and function (SIFT, PolyPhen-2, Align-GVGD) all suggest that this variant is likely to be tolerated, but these predictions have not been confirmed by published functional studies and their clinical significance is uncertain. This variant has not been reported in the literature in individuals with MYH6-related conditions. This variant is not present in population databases (ExAC no frequency). This sequence change replaces glutamic acid with glutamine at codon 318 of the MYH6 protein (p.Glu318Gln). The glutamic acid residue is weakly conserved and there is a small physicochemical difference between glutamic acid and glutamine.

NM_002471.4(MYH6):c.952G>C (p.Glu318Gln)

Gene: MYH6 (myosin heavy chain 6; minus strand). Cytogenetic location: 14q11.2.
Variant type: single nucleotide variant.
Coding change: c.952G>C on transcript NM_002471.4 (MANE Select); coding-DNA position 952, G replaced by C.
Protein change: p.Glu318Gln; replaces glutamic acid 318 with glutamine.
Molecular consequence: missense variant.
Genome position (GRCh38, 1-based): chr14:23,402,747, C>G on the plus strand (G>C on the coding strand, the complement: MYH6 is on the minus strand). VCF-style: chr14-23402747-C-G. GRCh37 (hg19) VCF-style: chr14-23871956-C-G.
Other names: short protein forms E318Q.
Identifiers: ClinVar variation 854225 (VCV000854225.9), dbSNP rs1891645604, ClinGen allele CA389027023.
Genomic context (GRCh38, chr14:23,402,747, plus strand): 5'-CCTCACTCACATCGGTGGCCATGAGCTCCTCGGAGTCATCAATGGAGGCCACGGACACCT[C>G]TCCCTGAGACACGAAGGCGTAGTCGTAGGGATTGTTGGTGACCAGCAGCATGTCTGCACC-3'
Protein context (NP_002462.2, residues 308-328): PYDYAFVSQG[Glu318Gln]VSVASIDDSE